The following is an entry in ClinVar:

NM_000255.4(MMUT):c.461G>A (p.Arg154His)

Gene: MMUT (methylmalonyl-CoA mutase; minus strand). Cytogenetic location: 6p12.3.
Variant type: single nucleotide variant.
Coding change: c.461G>A on transcript NM_000255.4 (MANE Select); coding-DNA position 461, G replaced by A.
Protein change: p.Arg154His; replaces arginine 154 with histidine.
Molecular consequence: missense variant.
Genome position (GRCh38, 1-based): chr6:49,457,983, C>T on the plus strand (G>A on the coding strand, the complement: MMUT is on the minus strand). VCF-style: chr6-49457983-C-T. GRCh37 (hg19) VCF-style: chr6-49425696-C-T.
Other names: short protein forms R154H.
Identifiers: ClinVar variation 288727 (VCV000288727.20), dbSNP rs142068898, ClinGen allele CA3847105.

ClinVar aggregate classification (germline): Benign/Likely benign. Review status: criteria provided, multiple submitters, no conflicts (2 of 4 stars). 4 submissions from 4 submitters: Benign (1); Likely benign (3). Last evaluated 2026-02-01.

Conditions:
Methylmalonic aciduria due to methylmalonyl-CoA mutase deficiency (MAMM). Also called: Methylmalonic aciduria, mut type. Identifiers: Orphanet 27, MedGen C1855114, MONDO:0009612, OMIM 251000.

Allele frequency attached by ClinVar (database versions not stated): gnomAD 0.00028 and 0.00041; TOPMed 0.00060; ExAC 0.00070; gnomAD exomes 0.00078; 1000 Genomes Project 30x 0.00250; 1000 Genomes Project 0.00280.
gnomAD v4.1: 395 of 1,607,934 alleles (0.025%); highest among the groups gnomAD compares: East Asian, 0.73%; 2 homozygotes.

Submissions (4):

Labcorp Genetics (formerly Invitae), Labcorp
Classification: Benign. Last evaluated: 2026-02-01. Review status: criteria provided, single submitter. Criteria: Invitae Variant Classification Sherloc (09022015). Collection method: clinical testing. Allele origin: germline.

Illumina Laboratory Services, Illumina
Classification: Likely benign for Methylmalonic aciduria due to methylmalonyl-CoA mutase deficiency. Last evaluated: 2018-01-13. Review status: criteria provided, single submitter. Criteria: ICSL Variant Classification Criteria 13 December 2019. Collection method: clinical testing. Allele origin: germline.
Comment: This variant was observed in the ICSL laboratory as part of a predisposition screen in an ostensibly healthy population. It had not been previously curated by ICSL or reported in the Human Gene Mutation Database (HGMD: prior to June 1st, 2018), and was therefore a candidate for classification through an automated scoring system. Utilizing variant allele frequency, disease prevalence and penetrance estimates, and inheritance mode, an automated score was calculated to assess if this variant is too frequent to cause the disease. Based on the score and internal cut-off values, a variant classified as likely benign is not then subjected to further curation. The score for this variant resulted in a classification of likely benign for this disease.

Eurofins Ntd Llc (ga)
Classification: Likely benign. Last evaluated: 2016-06-10. Review status: criteria provided, single submitter. Criteria: EGL Classification Definitions 2015. Collection method: clinical testing. Allele origin: germline. Observed: 1 variant allele, 1 heterozygote.

Breakthrough Genomics
Classification: Likely benign. Review status: criteria provided, single submitter. Criteria: ACMG Guidelines, 2015. Collection method: not provided. Allele origin: germline. Inheritance: Autosomal recessive inheritance. Affected: yes.